The following is an entry in ClinVar:

NM_174934.4(SCN4B):c.614C>A (p.Ser205Tyr)

Gene: SCN4B (sodium voltage-gated channel beta subunit 4; minus strand). Cytogenetic location: 11q23.3.
Variant type: single nucleotide variant.
Coding change: c.614C>A on transcript NM_174934.4 (MANE Select); coding-DNA position 614, C replaced by A.
Protein change: p.Ser205Tyr; replaces serine 205 with tyrosine.
Molecular consequence: missense variant. On other transcripts: non-coding transcript variant (1).
Genome position (GRCh38, 1-based): chr11:118,137,100, G>T on the plus strand (C>A on the coding strand, the complement: SCN4B is on the minus strand). VCF-style: chr11-118137100-G-T. GRCh37 (hg19) VCF-style: chr11-118007815-G-T.
Other names: c.212C>A, p.Ser71Tyr (NM_001142348.2); c.284C>A, p.Ser95Tyr (NM_001142349.2); short protein forms S95Y, S205Y, S71Y.
Identifiers: ClinVar variation 3438239 (VCV003438239.1).

ClinVar aggregate classification (germline): Uncertain significance (1 of 4 stars; one submission).

Conditions:
Cardiovascular phenotype. Identifiers: MedGen CN230736.

gnomAD v4.1: 16 of 1,613,648 alleles (0.00099%); highest among the groups gnomAD compares: African/African-American, 0.0053%; no homozygotes.

Submission:

Ambry Genetics
Classification: Uncertain significance for Cardiovascular phenotype. Last evaluated: 2024-07-28. Review status: criteria provided, single submitter. Criteria: Ambry Variant Classification Scheme 2023. Collection method: clinical testing. Allele origin: germline.
Comment: The p.S205Y variant (also known as c.614C>A), located in coding exon 5 of the SCN4B gene, results from a C to A substitution at nucleotide position 614. The serine at codon 205 is replaced by tyrosine, an amino acid with dissimilar properties. This amino acid position is conserved. In addition, this alteration is predicted to be deleterious by in silico analysis. Based on the available evidence, the clinical significance of this variant remains unclear.